The following is an entry in ClinVar:

NM_001267727.2(ARSG):c.1151G>A (p.Arg384Gln)

Gene: ARSG (arylsulfatase G; plus strand). Cytogenetic location: 17q24.2.
Variant type: single nucleotide variant.
Coding change: c.1151G>A on transcript NM_001267727.2 (MANE Select); coding-DNA position 1151, G replaced by A.
Protein change: p.Arg384Gln; replaces arginine 384 with glutamine.
Molecular consequence: missense variant.
Genome position (GRCh38, 1-based): chr17:68,395,132, G>A. VCF-style: chr17-68395132-G-A. GRCh37 (hg19) VCF-style: chr17-66391273-G-A.
Other names: c.1151G>A, p.Arg384Gln (NM_001352899.2, NM_001352900.2, NM_001352901.2 and 3 more transcripts); c.1148G>A, p.Arg383Gln (NM_001352903.2, NM_001352904.2, NM_001352905.2 and 2 more transcripts); c.1103G>A, p.Arg368Gln (NM_001352909.2); short protein forms R368Q, R384Q, R383Q.
Identifiers: ClinVar variation 1358976 (VCV001358976.4), dbSNP rs532109537, ClinGen allele CA8728499.

ClinVar aggregate classification (germline): Uncertain significance. Review status: criteria provided, multiple submitters, no conflicts (2 of 4 stars). 2 submissions from 2 submitters: Uncertain significance (2). Last evaluated 2024-01-30.

Allele frequency attached by ClinVar (database versions not stated): gnomAD exomes 0.00002; TOPMed 0.00002; gnomAD 0.00003; ExAC 0.00004; 1000 Genomes Project 30x 0.00016; 1000 Genomes Project 0.00020.
gnomAD v4.1: 22 of 1,614,114 alleles (0.0014%); highest among the groups gnomAD compares: Admixed American, 0.0083%; no homozygotes.

Submissions (2):

Blueprint Genetics
Classification: Uncertain significance. Last evaluated: 2024-01-30. Review status: criteria provided, single submitter. Criteria: ACMG Guidelines, 2015. Collection method: clinical testing. Allele origin: germline.

Labcorp Genetics (formerly Invitae), Labcorp
Classification: Uncertain significance. Last evaluated: 2022-07-19. Review status: criteria provided, single submitter. Criteria: Invitae Variant Classification Sherloc (09022015). Collection method: clinical testing. Allele origin: germline.
Comment: This sequence change replaces arginine, which is basic and polar, with glutamine, which is neutral and polar, at codon 384 of the ARSG protein (p.Arg384Gln). This variant is present in population databases (rs532109537, gnomAD 0.01%). This variant has not been reported in the literature in individuals affected with ARSG-related conditions. ClinVar contains an entry for this variant (Variation ID: 1358976). Algorithms developed to predict the effect of missense changes on protein structure and function are either unavailable or do not agree on the potential impact of this missense change (SIFT: "Tolerated"; PolyPhen-2: "Probably Damaging"; Align-GVGD: "Class C0"). In summary, the available evidence is currently insufficient to determine the role of this variant in disease. Therefore, it has been classified as a Variant of Uncertain Significance.